The following is an entry in ClinVar:

ClinVar aggregate classification (germline): Uncertain significance (1 of 4 stars; one submission).

Conditions:
Long QT syndrome (LQTS). Identifiers: MedGen C0023976, MeSH D008133, MONDO:0002442. Disease mechanism: loss of function. Inheritance: Various modes of inheritance.

Allele frequency attached by ClinVar (database versions not stated): gnomAD 0.00001.
gnomAD v4.1: 1 of 1,584,086 alleles (0.000063%); highest among the groups gnomAD compares: Admixed American, 0.0017%; no homozygotes.

Submission:

Labcorp Genetics (formerly Invitae), Labcorp
Classification: Uncertain significance for Long QT syndrome. Last evaluated: 2022-09-27. Review status: criteria provided, single submitter. Criteria: Invitae Variant Classification Sherloc (09022015). Collection method: clinical testing. Allele origin: germline.
Comment: In summary, the available evidence is currently insufficient to determine the role of this variant in disease. Therefore, it has been classified as a Variant of Uncertain Significance. Algorithms developed to predict the effect of sequence changes on RNA splicing suggest that this variant may create or strengthen a splice site. Advanced modeling of protein sequence and biophysical properties (such as structural, functional, and spatial information, amino acid conservation, physicochemical variation, residue mobility, and thermodynamic stability) has been performed at Invitae for this missense variant, however the output from this modeling did not meet the statistical confidence thresholds required to predict the impact of this variant on CACNA1C protein function. ClinVar contains an entry for this variant (Variation ID: 842119). This variant has not been reported in the literature in individuals affected with CACNA1C-related conditions. This variant is not present in population databases (gnomAD no frequency). This sequence change replaces asparagine, which is neutral and polar, with serine, which is neutral and polar, at codon 1705 of the CACNA1C protein (p.Asn1705Ser).

NM_000719.7(CACNA1C):c.5114A>G (p.Asn1705Ser)

Genes: CACNA1C-AS1 (CACNA1C antisense RNA 1; minus strand), CACNA1C (calcium voltage-gated channel subunit alpha1 C; plus strand). Cytogenetic location: 12p13.33.
Variant type: single nucleotide variant.
Coding change: c.5114A>G on transcript NM_000719.7 (MANE Select); coding-DNA position 5114, A replaced by G.
Protein change: p.Asn1705Ser; replaces asparagine 1705 with serine.
Molecular consequence: missense variant.
Genome position (GRCh38, 1-based): chr12:2,679,466, A>G. VCF-style: chr12-2679466-A-G. GRCh37 (hg19) VCF-style: chr12-2788632-A-G.
Other names: c.5258A>G, p.Asn1753Ser (NM_001129827.2, NM_199460.4); c.5237A>G, p.Asn1746Ser (NM_001129829.2); c.5114A>G, p.Asn1705Ser (NM_001129830.3, NM_001129840.2, NM_001129841.2 and 4 more transcripts); c.5198A>G, p.Asn1733Ser (NM_001129831.2); c.5174A>G, p.Asn1725Ser (NM_001129832.2); c.5171A>G, p.Asn1724Ser (NM_001129833.2, NM_001129834.2, NM_001129835.2); c.5165A>G, p.Asn1722Ser (NM_001129836.2); c.5138A>G, p.Asn1713Ser (NM_001129837.2, NM_001129838.2); and 3 more; short protein forms N1722S, N1725S, N1753S, N1694S, N1705S, N1711S, N1713S, N1746S.
Identifiers: ClinVar variation 842119 (VCV000842119.10), dbSNP rs1569219272, ClinGen allele CA383378526.